The following is an entry in ClinVar:

NM_000071.3(CBS):c.1223+1G>T

Gene: CBS (cystathionine beta-synthase; minus strand). Cytogenetic location: 21q22.3.
Variant type: single nucleotide variant.
Coding change: c.1223+1G>T on transcript NM_000071.3 (MANE Select); the canonical splice donor site of the intron after coding-DNA position 1223, G replaced by T.
Molecular consequence: splice donor variant.
Genome position (GRCh38, 1-based): chr21:43,059,225, C>A on the plus strand (G>T on the coding strand, the complement: CBS is on the minus strand). VCF-style: chr21-43059225-C-A. GRCh37 (hg19) VCF-style: chr21-44479335-C-A.
Other names: c.1223+1G>T (NM_001320298.2, NM_001178009.3, NM_001178008.3); c.908+1G>T (NM_001321072.1).
Identifiers: ClinVar variation 650962 (VCV000650962.12), dbSNP rs1601339216, ClinGen allele CA410397610.

ClinVar aggregate classification (germline): Pathogenic. Review status: criteria provided, multiple submitters, no conflicts (2 of 4 stars). 2 submissions from 2 submitters: Pathogenic (2). Last evaluated 2023-05-03.

Conditions:
HYPERHOMOCYSTEINEMIA, THROMBOTIC, CBS-RELATED. Identifiers: MedGen C3150344, OMIM 236200.
Classic homocystinuria. Also called: HOMOCYSTINURIA WITH OR WITHOUT RESPONSE TO PYRIDOXINE; Homocystinuria due to Cystathionine Beta-Synthase Deficiency; Homocystinuria due to CBS deficiency; Cystathionine beta-synthase deficiency; CBS deficiency. Identifiers: Orphanet 394, MedGen C0751202, MONDO:0009352, OMIM 236200.

Submissions (2):

Revvity Omics, Revvity
Classification: Pathogenic for Classic homocystinuria. Last evaluated: 2023-05-03. Review status: criteria provided, single submitter. Criteria: ACMG Guidelines, 2015. Collection method: clinical testing. Allele origin: germline.

Labcorp Genetics (formerly Invitae), Labcorp
Classification: Pathogenic for HYPERHOMOCYSTEINEMIA, THROMBOTIC, CBS-RELATED. Last evaluated: 2022-01-18. Review status: criteria provided, single submitter. Criteria: Invitae Variant Classification Sherloc (09022015). Collection method: clinical testing. Allele origin: germline.
Comment: For these reasons, this variant has been classified as Pathogenic. Algorithms developed to predict the effect of sequence changes on RNA splicing suggest that this variant may disrupt the consensus splice site. ClinVar contains an entry for this variant (Variation ID: 650962). Disruption of this splice site has been observed in individual(s) with cystathionine beta-synthase deficiency (PMID: 12124992). This variant is not present in population databases (gnomAD no frequency). This sequence change affects a donor splice site in intron 13 of the CBS gene. It is expected to disrupt RNA splicing. Variants that disrupt the donor or acceptor splice site typically lead to a loss of protein function (PMID: 16199547), and loss-of-function variants in CBS are known to be pathogenic (PMID: 10338090, 12124992).

Literature cited by the submitters: PubMed 12124992 (cited by Labcorp Genetics (formerly Invitae), Labcorp); PubMed 16199547 (cited by Labcorp Genetics (formerly Invitae), Labcorp); PubMed 10338090 (cited by Labcorp Genetics (formerly Invitae), Labcorp).